The following is an entry in ClinVar:

NM_001201338.2(SAFB):c.2157A>C (p.Arg719=)

Gene: SAFB (scaffold attachment factor B; plus strand). Cytogenetic location: 19p13.3.
Variant type: single nucleotide variant.
Coding change: c.2157A>C on transcript NM_001201338.2 (MANE Select); coding-DNA position 2157, A replaced by C.
Protein change: p.Arg719=; no amino-acid change (arginine 719 retained).
Molecular consequence: synonymous variant.
Genome position (GRCh38, 1-based): chr19:5,664,025, A>C. VCF-style: chr19-5664025-A-C. GRCh37 (hg19) VCF-style: chr19-5664036-A-C.
Other names: c.2154A>C, p.Arg718= (NM_001201339.2, NM_001320572.2); c.1950A>C, p.Arg650= (NM_001201340.2); c.1683A>C, p.Arg561= (NM_001320571.2); c.2157A>C, p.Arg719= (NM_002967.4).
Identifiers: ClinVar variation 2649115 (VCV002649115.24), dbSNP rs1538011, ClinGen allele CA505068236.
Genomic context (GRCh38, chr19:5,664,025, plus strand): 5'-TGATAGATACATTTGGGGTGGGGGATCCCTCTATCTCTGTCTCATGTCCCCTCACAGGCG[A>C]GATGATGCCTATTGGCCGGAAGCCAAGCGGGCCGCCCTGGATGAGCGCTACCATTCTGAC-3'
Protein context (NP_001188267.1, residues 709-729): AVRRPYDLDR[Arg719=]DDAYWPEAKR

ClinVar aggregate classification (germline): Likely benign (1 of 4 stars; one submission).

gnomAD v4.1: 1 of 1,613,772 alleles (0.000062%); highest among the groups gnomAD compares: Admixed American, 0.0017%; no homozygotes.

Submission:

CeGaT Center for Human Genetics Tuebingen
Classification: Likely benign. Last evaluated: 2022-11-01. Review status: criteria provided, single submitter. Criteria: CeGaT Center For Human Genetics Tuebingen Variant Classification Criteria Version 2. Collection method: clinical testing. Allele origin: germline. Affected: yes. Observed: 1 variant allele.
Comment: SAFB: PM2:Supporting, BP4, BP7